The following is an entry in ClinVar:

NM_000548.5(TSC2):c.4344_4346delinsTT (p.Arg1451fs)

Gene: TSC2 (TSC complex subunit 2; plus strand). Cytogenetic location: 16p13.3.
Variant type: Indel.
Coding change: c.4344_4346delinsTT on transcript NM_000548.5 (MANE Select); coding-DNA positions 4344 to 4346, CTC replaced by TT.
Protein change: p.Arg1451fs; shifts the reading frame from arginine 1451.
Molecular consequence: frameshift variant.
Genome position (GRCh38, 1-based): chr16:2,084,566-2,084,568, CTC replaced by TT. VCF-style: chr16-2084566-CTC-TT. GRCh37 (hg19) VCF-style: chr16-2134567-CTC-TT.
Other names: c.4143_4145delinsTT, p.Arg1384fs (NM_001077183.3); c.4176_4178delinsTT, p.Arg1395fs (NM_001318832.2); c.4146_4148delinsTT, p.Arg1385fs (NM_001363528.2); c.4212_4214delinsTT, p.Arg1407fs (NM_001370404.1); c.4215_4217delinsTT, p.Arg1408fs (NM_001370405.1, NM_021055.3); c.4275_4277delinsTT, p.Arg1428fs (NM_001114382.3); c.4035_4037delinsTT, p.Arg1348fs (NM_001318827.2); c.3999_4001delinsTT, p.Arg1336fs (NM_001318829.2); and 1 more; short protein forms R1451fs, R1348fs, R1407fs, R1408fs, R1207fs, R1336fs, R1385fs, R1395fs.
Identifiers: ClinVar variation 468082 (VCV000468082.5), dbSNP rs1555514354, ClinGen allele CA658656533.

ClinVar aggregate classification (germline): Pathogenic (1 of 4 stars; one submission).

Conditions:
Tuberous sclerosis 2 (TSC2). Identifiers: Orphanet 805, MedGen C1860707, MONDO:0013199, OMIM 613254.

Submission:

Labcorp Genetics (formerly Invitae), Labcorp
Classification: Pathogenic for Tuberous sclerosis 2. Last evaluated: 2017-05-26. Review status: criteria provided, single submitter. Criteria: Invitae Variant Classification Sherloc (09022015). Collection method: clinical testing. Allele origin: germline.
Comment: For these reasons, this variant has been classified as Pathogenic. Loss-of-function variants in TSC2 are known to be pathogenic (PMID: 10205261, 17304050). This variant has not been reported in the literature in individuals with a TSC2-related disease, but a different sequence change (c.4351delC) with the same protein effect (p.Arg1451Alafs*25) has been reported in individuals affected with tuberous sclerosis in the Leiden Open-source Variation Database (PMID: 21520333). This variant is not present in population databases (ExAC no frequency). This sequence change creates a premature translational stop signal (p.Arg1451Alafs*25) in the TSC2 gene. It is expected to result in an absent or disrupted protein product.

Literature cited by the submitters: PubMed 10205261; PubMed 17304050; PubMed 21520333.